The following is an entry in ClinVar:

ClinVar aggregate classification (germline): Pathogenic. Review status: reviewed by expert panel (3 of 4 stars). 2 submissions from 2 submitters: Pathogenic (1). 1 of the submissions does not count toward it. Last evaluated 2016-10-18.

Conditions:
Breast-ovarian cancer, familial, susceptibility to, 2 (BROVCA2). Also called: BRCA2 Hereditary Breast and Ovarian Cancer. Identifiers: Orphanet 145, MedGen C2675520, MONDO:0012933, OMIM 612555. Disease mechanism: loss of function.

Submissions (2):

Evidence-based Network for the Interpretation of Germline Mutant Alleles (ENIGMA)
Classification: Pathogenic for Breast-ovarian cancer, familial, susceptibility to, 2. Last evaluated: 2016-10-18. Review status: reviewed by expert panel. Criteria: ENIGMA BRCA1/2 Classification Criteria (2015). Collection method: curation. Allele origin: germline.
Comment: Variant allele predicted to encode a truncated non-functional protein.

Consortium of Investigators of Modifiers of BRCA1/2 (CIMBA), c/o University of Cambridge
Classification: Pathogenic for Breast-ovarian cancer, familial, susceptibility to, 2. Last evaluated: 2015-10-02. Review status: criteria provided, single submitter. Criteria: CIMBA Mutation Classification guidelines May 2016. Collection method: clinical testing. Allele origin: germline. Not counted in ClinVar's aggregate classification.

NM_000059.4(BRCA2):c.4540_4541insCGAT (p.Glu1514fs)

Gene: BRCA2 (BRCA2 DNA repair associated; plus strand). Cytogenetic location: 13q13.1.
Variant type: Insertion.
Coding change: c.4540_4541insCGAT on transcript NM_000059.4 (MANE Select); coding-DNA positions 4540 to 4541, CGAT inserted.
Protein change: p.Glu1514fs; shifts the reading frame from glutamic acid 1514.
Molecular consequence: frameshift variant.
Genome position: GRCh38 VCF-style: chr13-32338895-G-GCGAT. GRCh37 (hg19) VCF-style: chr13-32913032-G-GCGAT.
Other names: 4768_4769insCGAT; short protein forms E1514fs.
Identifiers: ClinVar variation 266820 (VCV000266820.5), dbSNP rs886040538, ClinGen allele CA10589267.